The following is an entry in ClinVar:

NM_005548.3(KARS1):c.1252+4A>C

Gene: KARS1 (lysyl-tRNA synthetase 1; minus strand). Cytogenetic location: 16q23.1.
Variant type: single nucleotide variant.
Coding change: c.1252+4A>C on transcript NM_005548.3 (MANE Select); 4 bases into the intron after coding-DNA position 1252, A replaced by C.
Molecular consequence: intron variant.
Genome position (GRCh38, 1-based): chr16:75,631,412, T>G on the plus strand (A>C on the coding strand, the complement: KARS1 is on the minus strand). VCF-style: chr16-75631412-T-G. GRCh37 (hg19) VCF-style: chr16-75665310-T-G.
Other names: c.1336+4A>C (NM_001130089.2); c.784+4A>C (NM_001378148.1).
Identifiers: ClinVar variation 1945154 (VCV001945154.5), dbSNP rs1239914593, ClinGen allele CA723961384.

ClinVar aggregate classification (germline): Uncertain significance (1 of 4 stars; one submission).

Allele frequency attached by ClinVar (database versions not stated): gnomAD 0.00001; gnomAD exomes below 0.00001; TOPMed below 0.00001.
gnomAD v4.1: 4 of 1,613,926 alleles (0.00025%); highest among the groups gnomAD compares: South Asian, 0.0022%; no homozygotes.

Submission:

Labcorp Genetics (formerly Invitae), Labcorp
Classification: Uncertain significance. Last evaluated: 2022-10-24. Review status: criteria provided, single submitter. Criteria: Invitae Variant Classification Sherloc (09022015). Collection method: clinical testing. Allele origin: germline.
Comment: This sequence change falls in intron 10 of the KARS gene. It does not directly change the encoded amino acid sequence of the KARS protein. It affects a nucleotide within the consensus splice site. This variant is not present in population databases (gnomAD no frequency). This variant has not been reported in the literature in individuals affected with KARS-related conditions. Variants that disrupt the consensus splice site are a relatively common cause of aberrant splicing (PMID: 17576681, 9536098). Algorithms developed to predict the effect of sequence changes on RNA splicing suggest that this variant is not likely to affect RNA splicing. In summary, the available evidence is currently insufficient to determine the role of this variant in disease. Therefore, it has been classified as a Variant of Uncertain Significance.

Literature cited by the submitters: PubMed 17576681; PubMed 9536098.